The following is an entry in ClinVar:

ClinVar aggregate classification (germline): Pathogenic (1 of 4 stars; one submission).

Conditions:
Proline dehydrogenase deficiency (HYRPRO1). Also called: Hyperprolinemia type 1; PROLINE OXIDASE DEFICIENCY. Identifiers: Orphanet 419, MedGen C0268529, MONDO:0009400, OMIM 239500.

Submission:

Labcorp Genetics (formerly Invitae), Labcorp
Classification: Pathogenic for Proline dehydrogenase deficiency. Last evaluated: 2020-12-08. Review status: criteria provided, single submitter. Criteria: Invitae Variant Classification Sherloc (09022015). Collection method: clinical testing. Allele origin: germline.
Comment: For these reasons, this variant has been classified as Pathogenic. Algorithms developed to predict the effect of sequence changes on RNA splicing suggest that this variant may create or strengthen a splice site, but this prediction has not been confirmed by published transcriptional studies. This variant has not been reported in the literature in individuals with PRODH-related conditions. The frequency data for this variant in the population databases is considered unreliable, as metrics indicate insufficient coverage at this position in the ExAC database. This sequence change creates a premature translational stop signal (p.Leu79*) in the PRODH gene. It is expected to result in an absent or disrupted protein product. Loss-of-function variants in PRODH are known to be pathogenic (PMID: 12525555, 15662599, 19736351).

Literature cited by the submitters: PubMed 12525555; PubMed 15662599; PubMed 19736351.

NM_016335.6(PRODH):c.236T>A (p.Leu79Ter)

Gene: PRODH (proline dehydrogenase 1; minus strand). Cytogenetic location: 22q11.21.
Variant type: single nucleotide variant.
Coding change: c.236T>A on transcript NM_016335.6 (MANE Select); coding-DNA position 236, T replaced by A.
Protein change: p.Leu79Ter; replaces leucine 79 with a stop codon.
Molecular consequence: nonsense. On other transcripts: intron variant (1).
Genome position (GRCh38, 1-based): chr22:18,936,052, A>T on the plus strand (T>A on the coding strand, the complement: PRODH is on the minus strand). VCF-style: chr22-18936052-A-T. GRCh37 (hg19) VCF-style: chr22-18923565-A-T.
Other names: c.-52+338T>A (NM_001195226.2); short protein forms L79*.
Identifiers: ClinVar variation 1399310 (VCV001399310.6), dbSNP rs2146223995, ClinGen allele CA410653717.